The following is an entry in ClinVar:

ClinVar aggregate classification (germline): Pathogenic (1 of 4 stars; one submission).

Conditions:
Familial adenomatous polyposis 1 (FAP1). Also called: FAMILIAL ADENOMATOUS POLYPOSIS 1, ATTENUATED; POLYPOSIS, ADENOMATOUS INTESTINAL. Identifiers: MedGen C2713442, MONDO:0021056, OMIM 175100. Disease mechanism: loss of function.

Submission:

Labcorp Genetics (formerly Invitae), Labcorp
Classification: Pathogenic for Familial adenomatous polyposis 1. Last evaluated: 2024-04-04. Review status: criteria provided, single submitter. Criteria: Invitae Variant Classification Sherloc (09022015). Collection method: clinical testing. Allele origin: germline.
Comment: This sequence change affects a donor splice site in intron 8 of the APC gene. It is expected to disrupt RNA splicing. Variants that disrupt the donor or acceptor splice site typically lead to a loss of protein function (PMID: 16199547), and loss-of-function variants in APC are known to be pathogenic (PMID: 17963004, 20685668). This variant is not present in population databases (gnomAD no frequency). Disruption of this splice site has been observed in individuals with familial adenomatous polyposis (PMID: 8381580, 20333795, 20434453, 20685668, 31062380). Algorithms developed to predict the effect of sequence changes on RNA splicing suggest that this variant may disrupt the consensus splice site. For these reasons, this variant has been classified as Pathogenic.

Literature cited by the submitters: PubMed 16199547; PubMed 17963004; PubMed 20685668; PubMed 8381580; PubMed 20333795; PubMed 20434453; PubMed 31062380.

NM_000038.6(APC):c.834+1G>T

Gene: APC (APC regulator of Wnt signaling pathway; plus strand). Cytogenetic location: 5q22.2.
Variant type: single nucleotide variant.
Coding change: c.834+1G>T on transcript NM_000038.6 (MANE Select); the canonical splice donor site of the intron after coding-DNA position 834, G replaced by T.
Molecular consequence: splice donor variant.
Genome position (GRCh38, 1-based): chr5:112,801,384, G>T. VCF-style: chr5-112801384-G-T. GRCh37 (hg19) VCF-style: chr5-112137081-G-T.
Other names: c.-202+1G>T (NM_001407470.1, NM_001407472.1, NM_001354906.2 and 1 more transcripts); c.834+1G>T (NM_001407447.1, NM_001354895.2, NM_001407456.1 and 12 more transcripts); c.750+1G>T (NM_001407452.1, NM_001407469.1, NM_001354899.2 and 1 more transcripts); c.864+1G>T (NM_001407446.1, NM_001354897.2, NM_001354902.2); c.780+1G>T (NM_001127511.3); c.657+1G>T (NM_001407453.1, NM_001354900.2, NM_001354901.2 and 1 more transcripts); c.759+1G>T (NM_001407451.1, NM_001354898.2, NM_001354904.2).
Identifiers: ClinVar variation 3648613 (VCV003648613.2).